The following is an entry in ClinVar:

ClinVar aggregate classification (germline): Uncertain significance (1 of 4 stars; one submission).

gnomAD v4.1: 4 of 1,609,794 alleles (0.00025%); highest among the groups gnomAD compares: Non-Finnish European, 0.00034%; no homozygotes.

Submission:

GeneDx
Classification: Uncertain significance. Last evaluated: 2024-09-10. Review status: criteria provided, single submitter. Criteria: GeneDx Variant Classification Process June 2021. Collection method: clinical testing. Allele origin: germline. Affected: yes.
Comment: Not observed at significant frequency in large population cohorts (gnomAD); In silico analysis supports that this missense variant has a deleterious effect on protein structure/function; Has not been previously published as pathogenic or benign to our knowledge

NM_021939.4(FKBP10):c.1034C>G (p.Pro345Arg)

Gene: FKBP10 (FKBP prolyl isomerase 10; plus strand). Cytogenetic location: 17q21.2.
Variant type: single nucleotide variant.
Coding change: c.1034C>G on transcript NM_021939.4 (MANE Select); coding-DNA position 1034, C replaced by G.
Protein change: p.Pro345Arg; replaces proline 345 with arginine.
Molecular consequence: missense variant.
Genome position (GRCh38, 1-based): chr17:41,819,646, C>G. VCF-style: chr17-41819646-C-G. GRCh37 (hg19) VCF-style: chr17-39975898-C-G.
Other names: short protein forms P345R.
Identifiers: ClinVar variation 3767778 (VCV003767778.1).